The following is an entry in ClinVar:

NM_019066.5(MAGEL2):c.372C>A (p.Thr124=)

Gene: MAGEL2 (MAGE family member L2; minus strand). Cytogenetic location: 15q11.2.
Variant type: single nucleotide variant.
Coding change: c.372C>A on transcript NM_019066.5 (MANE Select); coding-DNA position 372, C replaced by A.
Protein change: p.Thr124=; no amino-acid change (threonine 124 retained).
Molecular consequence: synonymous variant.
Genome position (GRCh38, 1-based): chr15:23,647,371, G>T on the plus strand (C>A on the coding strand, the complement: MAGEL2 is on the minus strand). VCF-style: chr15-23647371-G-T. GRCh37 (hg19) VCF-style: chr15-23892518-G-T.
Identifiers: ClinVar variation 3905717 (VCV003905717.10).

ClinVar aggregate classification (germline): Likely benign (1 of 4 stars; one submission).

gnomAD v4.1: 2 of 1,516,874 alleles (0.00013%); highest among the groups gnomAD compares: African/African-American, 0.0029%; no homozygotes.

Submission:

CeGaT Center for Human Genetics Tuebingen
Classification: Likely benign. Last evaluated: 2025-05-01. Review status: criteria provided, single submitter. Criteria: CeGaT Center For Human Genetics Tuebingen Variant Classification Criteria Version 2. Collection method: clinical testing. Allele origin: germline. Affected: yes. Observed: 1 variant allele.
Comment: MAGEL2: BP4, BP7